The following is an entry in ClinVar:

ClinVar aggregate classification (germline): Uncertain significance (1 of 4 stars; one submission).

Allele frequency attached by ClinVar (database versions not stated): gnomAD 0.00001.
gnomAD v4.1: 45 of 1,614,094 alleles (0.0028%); highest among the groups gnomAD compares: Admixed American, 0.013%; no homozygotes.

Submission:

Labcorp Genetics (formerly Invitae), Labcorp
Classification: Uncertain significance. Last evaluated: 2025-10-28. Review status: criteria provided, single submitter. Criteria: Invitae Variant Classification Sherloc (09022015). Collection method: clinical testing. Allele origin: germline.
Comment: This sequence change replaces arginine, which is basic and polar, with glutamine, which is neutral and polar, at codon 364 of the CSF2RB protein (p.Arg364Gln). This variant is present in population databases (rs774793372, gnomAD 0.02%). This variant has not been reported in the literature in individuals affected with CSF2RB-related conditions. ClinVar contains an entry for this variant (Variation ID: 1436060). Invitae Evidence Modeling of protein sequence and biophysical properties (such as structural, functional, and spatial information, amino acid conservation, physicochemical variation, residue mobility, and thermodynamic stability) indicates that this missense variant is not expected to disrupt CSF2RB protein function with a negative predictive value of 80%. In summary, the available evidence is currently insufficient to determine the role of this variant in disease. Therefore, it has been classified as a Variant of Uncertain Significance.

NM_000395.3(CSF2RB):c.1091G>A (p.Arg364Gln)

Gene: CSF2RB (colony stimulating factor 2 receptor subunit beta; plus strand). Cytogenetic location: 22q12.3.
Variant type: single nucleotide variant.
Coding change: c.1091G>A on transcript NM_000395.3 (MANE Select); coding-DNA position 1091, G replaced by A.
Protein change: p.Arg364Gln; replaces arginine 364 with glutamine.
Molecular consequence: missense variant.
Genome position (GRCh38, 1-based): chr22:36,932,843, G>A. VCF-style: chr22-36932843-G-A. GRCh37 (hg19) VCF-style: chr22-37328885-G-A.
Other names: short protein forms R364Q.
Identifiers: ClinVar variation 1436060 (VCV001436060.6), dbSNP rs774793372, ClinGen allele CA10213691.